The following is an entry in ClinVar:

ClinVar aggregate classification (germline): Uncertain significance. Review status: criteria provided, multiple submitters, no conflicts (2 of 4 stars). 2 submissions from 2 submitters: Uncertain significance (2). Last evaluated 2025-12-16.

Allele frequency attached by ClinVar (database versions not stated): gnomAD exomes 0.00001; TOPMed 0.00002.
gnomAD v4.1: 7 of 1,205,174 alleles (0.00058%); highest among the groups gnomAD compares: Non-Finnish European, 0.00079%; no homozygotes.

Submissions (2):

Ambry Genetics
Classification: Uncertain significance. Last evaluated: 2025-12-16. Review status: criteria provided, single submitter. Criteria: Ambry Variant Classification Scheme 2023. Collection method: clinical testing. Allele origin: germline.
Comment: The c.106G>T (p.D36Y) alteration is located in exon 4 (coding exon 3) of the GYG2 gene. This alteration results from a G to T substitution at nucleotide position 106, causing the aspartic acid (D) at amino acid position 36 to be replaced by a tyrosine (Y). Based on data from gnomAD, the T allele has an overall frequency of <0.001% (1/182822) total alleles studied. The highest observed frequency was 0.001% (1/81638) of European (non-Finnish) alleles. Based on insufficient or conflicting evidence, the clinical significance of this alteration remains unclear.

Labcorp Genetics (formerly Invitae), Labcorp
Classification: Uncertain significance. Last evaluated: 2025-06-25. Review status: criteria provided, single submitter. Criteria: Invitae Variant Classification Sherloc (09022015). Collection method: clinical testing. Allele origin: germline.
Comment: This sequence change replaces aspartic acid, which is acidic and polar, with tyrosine, which is neutral and polar, at codon 36 of the GYG2 protein (p.Asp36Tyr). The frequency data for this variant in the population databases is considered unreliable, as metrics indicate poor data quality at this position in the gnomAD database. This variant has not been reported in the literature in individuals affected with GYG2-related conditions. ClinVar contains an entry for this variant (Variation ID: 1519790). An algorithm developed to predict the effect of missense changes on protein structure and function (PolyPhen-2) suggests that this variant is likely to be tolerated. In summary, the available evidence is currently insufficient to determine the role of this variant in disease. Therefore, it has been classified as a Variant of Uncertain Significance.

NM_001079855.2(GYG2):c.13G>T (p.Asp5Tyr)

Gene: GYG2 (glycogenin 2; plus strand). Cytogenetic location: Xp22.33.
Variant type: single nucleotide variant.
Coding change: c.13G>T on transcript NM_001079855.2 (MANE Select); coding-DNA position 13, G replaced by T.
Protein change: p.Asp5Tyr; replaces aspartic acid 5 with tyrosine.
Molecular consequence: missense variant. On other transcripts: intron variant (1).
Genome position (GRCh38, 1-based): chrX:2,843,218, G>T. VCF-style: chrX-2843218-G-T. GRCh37 (hg19) VCF-style: chrX-2761259-G-T.
Other names: c.13G>T, p.Asp5Tyr (NM_001184702.2); c.106G>T, p.Asp36Tyr (NM_001184703.2, NM_003918.3); c.-316-10762G>T (NM_001184704.2); c.106G>T (NM_003918.2); short protein forms D36Y, D5Y.
Identifiers: ClinVar variation 1519790 (VCV001519790.7), dbSNP rs1308326509, ClinGen allele CA412260798.